The following is an entry in ClinVar:

NM_001378120.1(MBD5):c.4073C>G (p.Ala1358Gly)

Gene: MBD5 (methyl-CpG binding domain protein 5; plus strand). Cytogenetic location: 2q23.1.
Variant type: single nucleotide variant.
Coding change: c.4073C>G on transcript NM_001378120.1 (MANE Select); coding-DNA position 4073, C replaced by G.
Protein change: p.Ala1358Gly; replaces alanine 1358 with glycine.
Molecular consequence: missense variant.
Genome position (GRCh38, 1-based): chr2:148,489,705, C>G. VCF-style: chr2-148489705-C-G. GRCh37 (hg19) VCF-style: chr2-149247274-C-G.
Other names: c.3374C>G, p.Ala1125Gly (NM_018328.5); short protein forms A1125G, A1358G.
Identifiers: ClinVar variation 3239480 (VCV003239480.19), dbSNP rs747548275.

ClinVar aggregate classification (germline): Uncertain significance (1 of 4 stars; one submission).

Allele frequency attached by ClinVar (database versions not stated): ExAC 0.00001; gnomAD exomes 0.00001.
gnomAD v4.1: 4 of 1,614,174 alleles (0.00025%); highest among the groups gnomAD compares: South Asian, 0.0044%; no homozygotes.

Submission:

CeGaT Center for Human Genetics Tuebingen
Classification: Uncertain significance. Last evaluated: 2024-05-01. Review status: criteria provided, single submitter. Criteria: CeGaT Center For Human Genetics Tuebingen Variant Classification Criteria Version 2. Collection method: clinical testing. Allele origin: germline. Affected: yes. Observed: 1 variant allele.
Comment: MBD5: PM2, BP1